The following is an entry in ClinVar:

NM_000059.4(BRCA2):c.5091_5092insAAAA (p.Phe1698fs)

Gene: BRCA2 (BRCA2 DNA repair associated; plus strand). Cytogenetic location: 13q13.1.
Variant type: Insertion.
Coding change: c.5091_5092insAAAA on transcript NM_000059.4 (MANE Select); coding-DNA positions 5091 to 5092, AAAA inserted.
Protein change: p.Phe1698fs; shifts the reading frame from phenylalanine 1698.
Molecular consequence: frameshift variant. On other transcripts: non-coding transcript variant (1), intron variant (2).
Genome position: GRCh38 VCF-style: chr13-32339445-T-TAAAA. GRCh37 (hg19) VCF-style: chr13-32913582-T-TAAAA.
Other names: c.5091_5092insAAAA, p.Phe1698fs (NM_001406719.1, NM_001406720.1, NM_001432077.1); c.1910-5112_1910-5111insAAAA (NM_001406721.1); c.425-5112_425-5111insAAAA (NM_001406722.1); short protein forms F1698fs.
Identifiers: ClinVar variation 3482124 (VCV003482124.1).

ClinVar aggregate classification (germline): Pathogenic (1 of 4 stars; one submission).

Conditions:
Hereditary cancer-predisposing syndrome. Also called: Tumor predisposition; Neoplastic Syndromes, Hereditary; Hereditary Cancer Syndrome; Hereditary neoplastic syndrome. Identifiers: Orphanet 140162, MedGen C0027672, MeSH D009386, MONDO:0015356.

Submission:

Ambry Genetics
Classification: Pathogenic for Hereditary cancer-predisposing syndrome. Last evaluated: 2024-10-17. Review status: criteria provided, single submitter. Criteria: Ambry Variant Classification Scheme 2023. Collection method: clinical testing. Allele origin: germline.
Comment: The c.5091_5092insAAAA pathogenic mutation, located in coding exon 10 of the BRCA2 gene, results from an insertion of 4 nucleotides at position 5091, causing a translational frameshift with a predicted alternate stop codon (p.F1698Kfs*3). This variant is considered to be rare based on population cohorts in the Genome Aggregation Database (gnomAD). This alteration is expected to result in loss of function by premature protein truncation or nonsense-mediated mRNA decay. As such, this alteration is interpreted as a disease-causing mutation.